The following is an entry in ClinVar:

ClinVar aggregate classification (germline): Conflicting classifications of pathogenicity. Review status: criteria provided, conflicting classifications (1 of 4 stars). 3 submissions from 3 submitters: Uncertain significance (1); Likely benign (1). 1 of the submissions does not count toward it. Last evaluated 2023-04-13.

Conditions:
Hereditary insensitivity to pain with anhidrosis (CIPA). Also called: hereditary sensory and autonomic neuropathy type 4; FAMILIAL DYSAUTONOMIA, TYPE II; INSENSITIVITY TO PAIN, CONGENITAL, WITH ANHIDROSIS; NEUROPATHY, CONGENITAL SENSORY, WITH ANHIDROSIS; NTRK1 Congenital Insensitivity to Pain with Anhidrosis; HSAN Type IV. Identifiers: Orphanet 642, MedGen C0020074, MONDO:0009746, OMIM 256800.
Inborn genetic diseases. Identifiers: MedGen C0950123, MeSH D030342.

Allele frequency attached by ClinVar (database versions not stated): gnomAD exomes below 0.00001; gnomAD 0.00001; TOPMed 0.00002.
gnomAD v4.1: 6 of 1,549,686 alleles (0.00039%); highest among the groups gnomAD compares: Admixed American, 0.011%; no homozygotes.

Submissions (3):

Ambry Genetics
Classification: Likely benign for Inborn genetic diseases. Last evaluated: 2023-04-13. Review status: criteria provided, single submitter. Criteria: Ambry Variant Classification Scheme 2023. Collection method: clinical testing. Allele origin: germline.

Labcorp Genetics (formerly Invitae), Labcorp
Classification: Uncertain significance for Hereditary insensitivity to pain with anhidrosis. Last evaluated: 2022-07-13. Review status: criteria provided, single submitter. Criteria: Invitae Variant Classification Sherloc (09022015). Collection method: clinical testing. Allele origin: germline.
Comment: This sequence change replaces proline, which is neutral and non-polar, with serine, which is neutral and polar, at codon 35 of the NTRK1 protein (p.Pro35Ser). The frequency data for this variant in the population databases is considered unreliable, as metrics indicate poor data quality at this position in the gnomAD database. This variant has not been reported in the literature in individuals affected with NTRK1-related conditions. ClinVar contains an entry for this variant (Variation ID: 847162). Advanced modeling of protein sequence and biophysical properties (such as structural, functional, and spatial information, amino acid conservation, physicochemical variation, residue mobility, and thermodynamic stability) performed at Invitae indicates that this missense variant is not expected to disrupt NTRK1 protein function. In summary, the available evidence is currently insufficient to determine the role of this variant in disease. Therefore, it has been classified as a Variant of Uncertain Significance.

Natera, Inc.
Classification: Uncertain significance for Hereditary insensitivity to pain with anhidrosis. Last evaluated: 2020-09-16. Review status: no assertion criteria provided. Collection method: clinical testing. Allele origin: germline. Not counted in ClinVar's aggregate classification.

NM_002529.4(NTRK1):c.103C>T (p.Pro35Ser)

Gene: NTRK1 (neurotrophic receptor tyrosine kinase 1; plus strand). Cytogenetic location: 1q23.1.
Variant type: single nucleotide variant.
Coding change: c.103C>T on transcript NM_002529.4 (MANE Select); coding-DNA position 103, C replaced by T.
Protein change: p.Pro35Ser; replaces proline 35 with serine.
Molecular consequence: missense variant. On other transcripts: intron variant (1).
Genome position (GRCh38, 1-based): chr1:156,861,037, C>T. VCF-style: chr1-156861037-C-T. GRCh37 (hg19) VCF-style: chr1-156830829-C-T.
Other names: c.103C>T, p.Pro35Ser (NM_001012331.2); c.123-3317C>T (NM_001007792.1); short protein forms P35S.
Identifiers: ClinVar variation 847162 (VCV000847162.9), dbSNP rs1204319733, ClinGen allele CA342929482.
Genomic context (GRCh38, chr1:156,861,037, plus strand): 5'-TGGGCTGCGGGGCCGGGCAGCCTGCTGGCTTGGCTGATACTGGCATCTGCGGGCGCCGCA[C>T]CCTGCCCCGATGCCTGCTGCCCCCACGGCTCCTCGGGACTGCGATGCACCCGGGATGGGG-3'
Protein context (NP_002520.2, residues 25-45): WLILASAGAA[Pro35Ser]CPDACCPHGS